The following is an entry in ClinVar:

ClinVar aggregate classification (germline): Pathogenic. Review status: criteria provided, multiple submitters, no conflicts (2 of 4 stars). 2 submissions from 2 submitters: Pathogenic (2). Last evaluated 2026-08-05.

Conditions:
Pyruvate carboxylase deficiency. Also called: Pyruvate Carboxylase Deficiency Disease; ATAXIA WITH LACTIC ACIDOSIS II; LEIGH NECROTIZING ENCEPHALOPATHY DUE TO PYRUVATE CARBOXYLASE DEFICIENCY; LEIGH SYNDROME DUE TO PYRUVATE CARBOXYLASE DEFICIENCY; PC DEFICIENCY. Identifiers: Orphanet 3008, MedGen C0034341, MONDO:0009949, OMIM 266150.

Submissions (2):

Myriad Genetics, Inc.
Classification: Pathogenic for Pyruvate carboxylase deficiency. Last evaluated: 2026-08-05. Review status: criteria provided, single submitter. Criteria: Myriad Autosomal Dominant, Autosomal Recessive and X-Linked Classification Criteria (2023). Collection method: clinical testing. Allele origin: unknown.
Comment: NM_000920.3(PC):c.2133delC(D712Tfs*36) is expected to be pathogenic in the context of pyruvate carboxylase deficiency. This variant is predicted to lead to an abnormal or absent protein product due to the creation of a premature termination codon in PC, a gene where loss-of-function variants are known to be pathogenic. Please note: this variant was assessed in the context of healthy population screening.

Labcorp Genetics (formerly Invitae), Labcorp
Classification: Pathogenic for Pyruvate carboxylase deficiency. Last evaluated: 2024-01-27. Review status: criteria provided, single submitter. Criteria: Invitae Variant Classification Sherloc (09022015). Collection method: clinical testing. Allele origin: germline.
Comment: This sequence change creates a premature translational stop signal (p.Asp712Thrfs*36) in the PC gene. It is expected to result in an absent or disrupted protein product. Loss-of-function variants in PC are known to be pathogenic (PMID: 12112657, 19306334). This variant is not present in population databases (gnomAD no frequency). This variant has not been reported in the literature in individuals affected with PC-related conditions. For these reasons, this variant has been classified as Pathogenic.

Literature cited by the submitters: PubMed 12112657 (cited by Labcorp Genetics (formerly Invitae), Labcorp); PubMed 19306334 (cited by Labcorp Genetics (formerly Invitae), Labcorp).

NM_001040716.2(PC):c.2133del (p.Asp712fs)

Gene: PC (pyruvate carboxylase; minus strand). Cytogenetic location: 11q13.2.
Variant type: Deletion.
Coding change: c.2133del on transcript NM_001040716.2 (MANE Select); coding-DNA position 2133, one base deleted (C; older notation c.2133delC).
Protein change: p.Asp712fs; shifts the reading frame from aspartic acid 712.
Molecular consequence: frameshift variant.
Genome position (GRCh38, 1-based): chr11:66,851,130, G deleted on the plus strand (C on the coding strand, the reverse complement: PC is on the minus strand); the first of 2 consecutive G bases (chr11:66,851,130-66,851,131); deleting either gives the same sequence. VCF-style (leftmost placement, unchanged base first): chr11-66851129-CG-C. GRCh37 (hg19) VCF-style: chr11-66618600-CG-C.
Other names: c.2133del, p.Asp712fs (NM_000920.4, NM_022172.3); short protein forms D712fs.
Identifiers: ClinVar variation 3608337 (VCV003608337.3).
Genomic context (GRCh38, chr11:66,851,129, plus strand): 5'-GCACCAGCTCTTCGGCCAAGCCCATGTAGTACTGCAGTGAGTACTTGGTGCGGCTGGGGT[CG>C]GCCACGTCGCCCGTGTATGAGATGGCAGCCTCCACCACGCCTCCGGCACTTCCTGCCGCC-3'